The following is an entry in ClinVar:

ClinVar aggregate classification (germline): Uncertain significance (1 of 4 stars; one submission).

Submission:

Labcorp Genetics (formerly Invitae), Labcorp
Classification: Uncertain significance. Last evaluated: 2025-03-17. Review status: criteria provided, single submitter. Criteria: Invitae Variant Classification Sherloc (09022015). Collection method: clinical testing. Allele origin: germline.
Comment: This sequence change replaces glycine, which is neutral and non-polar, with tryptophan, which is neutral and slightly polar, at codon 4116 of the HMCN1 protein (p.Gly4116Trp). This variant is not present in population databases (gnomAD no frequency). This variant has not been reported in the literature in individuals affected with HMCN1-related conditions. An algorithm developed to predict the effect of missense changes on protein structure and function (PolyPhen-2) suggests that this variant is likely to be disruptive. In summary, the available evidence is currently insufficient to determine the role of this variant in disease. Therefore, it has been classified as a Variant of Uncertain Significance.

NM_031935.3(HMCN1):c.12346G>T (p.Gly4116Trp)

Gene: HMCN1 (hemicentin 1; plus strand). Cytogenetic location: 1q31.1.
Variant type: single nucleotide variant.
Coding change: c.12346G>T on transcript NM_031935.3 (MANE Select); coding-DNA position 12346, G replaced by T.
Protein change: p.Gly4116Trp; replaces glycine 4116 with tryptophan.
Molecular consequence: missense variant.
Genome position (GRCh38, 1-based): chr1:186,123,067, G>T. VCF-style: chr1-186123067-G-T. GRCh37 (hg19) VCF-style: chr1-186092199-G-T.
Other names: short protein forms G4116W.
Identifiers: ClinVar variation 3729852 (VCV003729852.2).